The following is an entry in ClinVar:

NM_001298.3(CNGA3):c.1190G>T (p.Gly397Val)

Gene: CNGA3 (cyclic nucleotide gated channel subunit alpha 3; plus strand). Cytogenetic location: 2q11.2.
Variant type: single nucleotide variant.
Coding change: c.1190G>T on transcript NM_001298.3 (MANE Select); coding-DNA position 1190, G replaced by T.
Protein change: p.Gly397Val; replaces glycine 397 with valine.
Molecular consequence: missense variant.
Genome position (GRCh38, 1-based): chr2:98,396,360, G>T. VCF-style: chr2-98396360-G-T. GRCh37 (hg19) VCF-style: chr2-99012823-G-T.
Other names: c.1136G>T, p.Gly379Val (NM_001079878.2); short protein forms G379V, G397V.
Identifiers: ClinVar variation 3382582 (VCV003382582.3).

ClinVar aggregate classification (germline): Likely pathogenic. Review status: criteria provided, multiple submitters, no conflicts (2 of 4 stars). 2 submissions from 2 submitters: Likely pathogenic (2). Last evaluated 2024-10-04.

Conditions:
Achromatopsia 2 (ACHM2). Also called: COLORBLINDNESS, TOTAL; ROD MONOCHROMACY 2; ROD MONOCHROMATISM 2. Identifiers: Orphanet 49382, MedGen C1857618, MONDO:0009003, OMIM 216900.

gnomAD v4.1: 1 of 1,613,258 alleles (0.000062%); highest among the groups gnomAD compares: Middle Eastern, 0.017%; no homozygotes.

Submissions (2):

Dubai Health Genomic Medicine Center, Dubai Health
Classification: Likely pathogenic for Achromatopsia 2. Last evaluated: 2024-10-04. Review status: criteria provided, single submitter. Criteria: ACMG Guidelines, 2015. Collection method: research. Allele origin: germline. Affected: yes.
Comment: PM1,PM2,PP3,PM3-Moderate,PP1

Juno Genomics, Hangzhou Juno Genomics, Inc
Classification: Likely pathogenic for Achromatopsia 2. Review status: criteria provided, single submitter. Criteria: ACMG Guidelines, 2015. Collection method: clinical testing. Allele origin: germline. Affected: yes.
Comment: Absent from controls (or at extremely low frequency if recessive) in Genome Aggregation Database, Exome Sequencing Project, 1000 Genomes Project, or Exome Aggregation Consortium.;Multiple lines of computational evidence support a deleterious effect on the gene or gene product (conservation, evolutionary, splicing impact, etc).;Patient's phenotype or family history is highly specific for a disease with a single genetic etiology.